The following is an entry in ClinVar:

NM_025114.4(CEP290):c.6435G>T (p.Gln2145His)

Gene: CEP290 (centrosomal protein 290; minus strand). Cytogenetic location: 12q21.32.
Variant type: single nucleotide variant.
Coding change: c.6435G>T on transcript NM_025114.4 (MANE Select); coding-DNA position 6435, G replaced by T.
Protein change: p.Gln2145His; replaces glutamine 2145 with histidine.
Molecular consequence: missense variant.
Genome position (GRCh38, 1-based): chr12:88,060,917, C>A on the plus strand (G>T on the coding strand, the complement: CEP290 is on the minus strand). VCF-style: chr12-88060917-C-A. GRCh37 (hg19) VCF-style: chr12-88454694-C-A.
Other names: short protein forms Q2145H.
Identifiers: ClinVar variation 1446924 (VCV001446924.4), dbSNP rs1308226735, ClinGen allele CA385978677.

ClinVar aggregate classification (germline): Uncertain significance. Review status: criteria provided, multiple submitters, no conflicts (2 of 4 stars). 2 submissions from 2 submitters: Uncertain significance (2). Last evaluated 2024-02-06.

Conditions:
Joubert syndrome 5 (JBTS5). Identifiers: Orphanet 2318, MedGen C1857780, MONDO:0012432, OMIM 610188.
Leber congenital amaurosis 10 (LCA10). Identifiers: Orphanet 65, MedGen C1857821, MONDO:0012723, OMIM 611755.
Senior-Loken syndrome 6 (SLSN6). Identifiers: Orphanet 3156, MedGen C1857779, MONDO:0012433, OMIM 610189.
Bardet-Biedl syndrome 14 (BBS14). Identifiers: Orphanet 110, MedGen C2673874, MONDO:0014442, OMIM 615991.
Meckel syndrome, type 4 (MKS4). Also called: MECKEL-GRUBER SYNDROME, TYPE 4. Identifiers: Orphanet 564, MedGen C1970161, MONDO:0012626, OMIM 611134.
Nephronophthisis. Also called: Juvenile Nephronophthisis. Identifiers: Orphanet 655, MedGen C0687120, MONDO:0019005, HP:0000090.
Meckel-Gruber syndrome. Also called: DYSENCEPHALIA SPLANCHNOCYSTICA; GRUBER SYNDROME; Dysencephalia splachnocystica. Identifiers: Orphanet 564, MedGen C0265215, MONDO:0018921.
Joubert syndrome. Also called: CEREBELLOPARENCHYMAL DISORDER IV; JOUBERT-BOLTSHAUSER SYNDROME; Familial aplasia of the vermis. Identifiers: Orphanet 475, MedGen C5979921, MONDO:0018772.

Submissions (2):

Fulgent Genetics
Classification: Uncertain significance for Joubert syndrome 5; Senior-Loken syndrome 6; Meckel syndrome, type 4; Leber congenital amaurosis 10; Bardet-Biedl syndrome 14. Last evaluated: 2024-02-06. Review status: criteria provided, single submitter. Criteria: ACMG Guidelines, 2015. Collection method: clinical testing. Allele origin: germline.

Labcorp Genetics (formerly Invitae), Labcorp
Classification: Uncertain significance for Joubert syndrome; Meckel-Gruber syndrome; Nephronophthisis. Last evaluated: 2022-03-10. Review status: criteria provided, single submitter. Criteria: Invitae Variant Classification Sherloc (09022015). Collection method: clinical testing. Allele origin: germline.
Comment: This sequence change replaces glutamine, which is neutral and polar, with histidine, which is basic and polar, at codon 2145 of the CEP290 protein (p.Gln2145His). This variant is not present in population databases (gnomAD no frequency). This variant has not been reported in the literature in individuals affected with CEP290-related conditions. Algorithms developed to predict the effect of missense changes on protein structure and function are either unavailable or do not agree on the potential impact of this missense change (SIFT: "Deleterious"; PolyPhen-2: "Probably Damaging"; Align-GVGD: "Class C0"). In summary, the available evidence is currently insufficient to determine the role of this variant in disease. Therefore, it has been classified as a Variant of Uncertain Significance.